The following is an entry in ClinVar:

ClinVar aggregate classification (germline): Uncertain significance (1 of 4 stars; one submission).

Conditions:
Frontotemporal dementia (FTD1). Also called: WILHELMSEN-LYNCH DISEASE; FRONTOTEMPORAL DEMENTIA WITH PARKINSONISM; FRONTOTEMPORAL LOBE DEMENTIA; FRONTOTEMPORAL LOBAR DEGENERATION WITH TAU INCLUSIONS; FTLD WITH TAU INCLUSIONS; MULTIPLE SYSTEM TAUOPATHY WITH PRESENILE DEMENTIA. Identifiers: Orphanet 282, MedGen C0338451, MONDO:0017276, OMIM 600274, HP:0002145.

Allele frequency attached by ClinVar (database versions not stated): gnomAD 0.00001; ExAC 0.00002.

Submission:

Labcorp Genetics (formerly Invitae), Labcorp
Classification: Uncertain significance for Frontotemporal dementia. Last evaluated: 2025-10-02. Review status: criteria provided, single submitter. Criteria: Invitae Variant Classification Sherloc (09022015). Collection method: clinical testing. Allele origin: germline.
Comment: This sequence change replaces glycine, which is neutral and non-polar, with serine, which is neutral and polar, at codon 201 of the MAPT protein (p.Gly201Ser). This variant is present in population databases (rs749091697, gnomAD 0.02%). This missense change has been observed in individual(s) with Alzheimer’s disease (PMID: 22312439, 30279455). ClinVar contains an entry for this variant (Variation ID: 2138059). Invitae Evidence Modeling of protein sequence and biophysical properties (such as structural, functional, and spatial information, amino acid conservation, physicochemical variation, residue mobility, and thermodynamic stability) indicates that this missense variant is not expected to disrupt MAPT protein function with a negative predictive value of 80%. In summary, the available evidence is currently insufficient to determine the role of this variant in disease. Therefore, it has been classified as a Variant of Uncertain Significance.

Literature cited by the submitters: PubMed 22312439; PubMed 30279455.

NM_001377265.1(MAPT):c.1777G>A (p.Gly593Ser)

Gene: MAPT (microtubule associated protein tau). Cytogenetic location: 17q21.31.
Variant type: single nucleotide variant.
Coding change: c.1777G>A on transcript NM_001377265.1 (MANE Select); coding-DNA position 1777, G replaced by A.
Protein change: p.Gly593Ser; replaces glycine 593 with serine.
Molecular consequence: missense variant.
Genome position (GRCh38, 1-based): chr17:45,996,443, G>A. VCF-style: chr17-45996443-G-A. GRCh37 (hg19) VCF-style: chr17-44073809-G-A.
Other names: c.1606G>A, p.Gly536Ser (NM_001123066.4); c.514G>A, p.Gly172Ser (NM_001123067.4, NM_001203251.2, NM_001377267.1); c.601G>A, p.Gly201Ser (NM_001203252.2, NM_005910.6); c.1579G>A, p.Gly527Ser (NM_001377266.1); c.427G>A, p.Gly143Ser (NM_001377268.1, NM_016834.5, NM_016841.5); c.1552G>A, p.Gly518Ser (NM_016835.5); short protein forms G143S, G172S, G536S, G201S, G527S, G593S, G518S.
Identifiers: ClinVar variation 2138059 (VCV002138059.4), dbSNP rs749091697, ClinGen allele CA8618031.